The following is an entry in ClinVar:

NM_000038.6(APC):c.1743+2T>A

Gene: APC (APC regulator of Wnt signaling pathway; plus strand). Cytogenetic location: 5q22.2.
Variant type: single nucleotide variant.
Coding change: c.1743+2T>A on transcript NM_000038.6 (MANE Select); the canonical splice donor site of the intron after coding-DNA position 1743, T replaced by A.
Molecular consequence: splice donor variant.
Genome position (GRCh38, 1-based): chr5:112,828,974, T>A. VCF-style: chr5-112828974-T-A. GRCh37 (hg19) VCF-style: chr5-112164671-T-A.
Other names: c.894+2T>A (NM_001407470.1, NM_001354906.2); c.591+2T>A (NM_001407472.1, NM_001407471.1); c.1797+2T>A (NM_001407447.1, NM_001407448.1, NM_001407449.1 and 1 more transcripts); c.1743+2T>A (NM_001354895.2, NM_001407450.1, NM_001127510.3); c.1494+2T>A (NM_001407456.1, NM_001407457.1, NM_001407455.1 and 1 more transcripts); c.1440+2T>A (NM_001407460.1, NM_001407458.1, NM_001407459.1 and 1 more transcripts); c.1713+2T>A (NM_001407452.1); c.1356+2T>A (NM_001407469.1, NM_001407467.1); and 11 more.
Identifiers: ClinVar variation 1779229 (VCV001779229.8), dbSNP rs2149818637, ClinGen allele CA360620723.

ClinVar aggregate classification (germline): Likely pathogenic. Review status: criteria provided, multiple submitters, no conflicts (2 of 4 stars). 3 submissions from 3 submitters: Likely pathogenic (3). Last evaluated 2025-11-05.

Conditions:
Hereditary cancer-predisposing syndrome. Also called: Neoplastic Syndromes, Hereditary; Tumor predisposition; Hereditary Cancer Syndrome; Hereditary neoplastic syndrome. Identifiers: Orphanet 140162, MedGen C0027672, MeSH D009386, MONDO:0015356.
Familial adenomatous polyposis 1 (FAP1). Also called: FAMILIAL ADENOMATOUS POLYPOSIS 1, ATTENUATED; POLYPOSIS, ADENOMATOUS INTESTINAL. Identifiers: MedGen C2713442, MONDO:0021056, OMIM 175100. Disease mechanism: loss of function.

Submissions (3):

Ambry Genetics
Classification: Likely pathogenic for Hereditary cancer-predisposing syndrome. Last evaluated: 2025-11-05. Review status: criteria provided, single submitter. Criteria: Ambry Variant Classification Scheme 2023. Collection method: clinical testing. Allele origin: germline.
Comment: The c.1743+2T>A intronic variant results from a T to A substitution two nucleotides after coding exon 13 in the APC gene. This nucleotide position is highly conserved in available vertebrate species. This variant was reported in individual(s) with features consistent with familial adenomatous polyposis (Ambry internal data). In silico splice site analysis predicts that this alteration will weaken the native splice donor site. RNA studies have demonstrated that this alteration results in abnormal splicing in the set of samples tested (Ambry internal data). Based on the majority of available evidence to date, this variant is likely to be pathogenic.

Labcorp Genetics (formerly Invitae), Labcorp
Classification: Likely pathogenic for Familial adenomatous polyposis 1. Last evaluated: 2023-10-20. Review status: criteria provided, single submitter. Criteria: Invitae Variant Classification Sherloc (09022015). Collection method: clinical testing. Allele origin: germline.
Comment: This sequence change affects a donor splice site in intron 14 of the APC gene. It is expected to disrupt RNA splicing. Variants that disrupt the donor or acceptor splice site typically lead to a loss of protein function (PMID: 16199547), and loss-of-function variants in APC are known to be pathogenic (PMID: 17963004, 20685668). This variant is not present in population databases (gnomAD no frequency). Disruption of this splice site has been observed in individual(s) with APC-related conditions (PMID: 8990002). ClinVar contains an entry for this variant (Variation ID: 1779229). Algorithms developed to predict the effect of sequence changes on RNA splicing suggest that this variant may disrupt the consensus splice site. In summary, the currently available evidence indicates that the variant is pathogenic, but additional data are needed to prove that conclusively. Therefore, this variant has been classified as Likely Pathogenic.

Myriad Genetics, Inc.
Classification: Likely pathogenic for Familial adenomatous polyposis 1. Last evaluated: 2023-05-03. Review status: criteria provided, single submitter. Criteria: Myriad Autosomal Dominant, Autosomal Recessive and X-Linked Classification Criteria (2023). Collection method: clinical testing. Allele origin: unknown.
Comment: This variant is considered likely pathogenic. This variant occurs within a consensus splice junction and is predicted to result in abnormal mRNA splicing of either an out-of-frame exon or an in-frame exon necessary for protein stability and/or normal function.

Literature cited by the submitters: PubMed 16199547 (cited by Labcorp Genetics (formerly Invitae), Labcorp); PubMed 17963004 (cited by Labcorp Genetics (formerly Invitae), Labcorp); PubMed 20685668 (cited by Labcorp Genetics (formerly Invitae), Labcorp); PubMed 8990002 (cited by Labcorp Genetics (formerly Invitae), Labcorp).